The following is an entry in ClinVar:

NM_000260.4(MYO7A):c.486_593-20delinsAG

Gene: MYO7A (myosin VIIA; plus strand). Cytogenetic location: 11q13.5.
Variant type: Indel.
Coding change: c.486_593-20delinsAG on transcript NM_000260.4 (MANE Select); coding-DNA position 486 through 20 bases into the intron before coding-DNA position 593, the reference bases replaced by AG.
Molecular consequence: splice donor variant.
Genome position (GRCh38, 1-based): chr11:77,156,675-77,156,842, 168 bases replaced. GRCh37 (hg19): chr11:76,867,721-76,867,888.
Other names: c.453_560-20delinsAG (NM_001369365.1); c.486_593-20delinsAG (NM_001127180.2).
Identifiers: ClinVar variation 1459383 (VCV001459383.6), dbSNP rs2135235196, ClinGen allele CA2573147717.

ClinVar aggregate classification (germline): Pathogenic (1 of 4 stars; one submission).

Submission:

Labcorp Genetics (formerly Invitae), Labcorp
Classification: Pathogenic. Last evaluated: 2021-02-27. Review status: criteria provided, single submitter. Criteria: Invitae Variant Classification Sherloc (09022015). Collection method: clinical testing. Allele origin: germline.
Comment: This variant disrupts the p.Gly163 amino acid residue in MYO7A. Other variant(s) that disrupt this residue have been determined to be pathogenic (PMID: 16679490, 27583663, 21873662, 31479088). This suggests that this residue is clinically significant, and that variants that disrupt this residue are likely to be disease-causing. For these reasons, this variant has been classified as Pathogenic. This variant has not been reported in the literature in individuals with MYO7A-related conditions. This variant is not present in population databases (ExAC no frequency). This variant results in the deletion of part of exon 6 (c.486_593-20delinsAG) of the MYO7A gene. It is expected to disrupt RNA splicing. Variants that disrupt the donor or acceptor splice site typically lead to a loss of protein function (PMID: 16199547), and loss-of-function variants in MYO7A are known to be pathogenic (PMID: 8900236, 25404053).

Literature cited by the submitters: PubMed 16679490; PubMed 27583663; PubMed 21873662; PubMed 31479088; PubMed 16199547; PubMed 8900236; PubMed 25404053.